The following is an entry in ClinVar:

NM_000051.4(ATM):c.5498T>G (p.Val1833Gly)

Gene: ATM (ATM serine/threonine kinase; plus strand). Cytogenetic location: 11q22.3.
Variant type: single nucleotide variant.
Coding change: c.5498T>G on transcript NM_000051.4 (MANE Select); coding-DNA position 5498, T replaced by G.
Protein change: p.Val1833Gly; replaces valine 1833 with glycine.
Molecular consequence: missense variant.
Genome position (GRCh38, 1-based): chr11:108,304,676, T>G. VCF-style: chr11-108304676-T-G. GRCh37 (hg19) VCF-style: chr11-108175403-T-G.
Other names: c.5498T>G, p.Val1833Gly (NM_001351834.2); short protein forms V1833G.
Identifiers: ClinVar variation 2158108 (VCV002158108.4), dbSNP rs2135942398, ClinGen allele CA382545640.

ClinVar aggregate classification (germline): Uncertain significance (1 of 4 stars; one submission).

Conditions:
Ataxia-telangiectasia syndrome (AT). Also called: AT, COMPLEMENTATION GROUP C; Ataxia telangiectasia (A-T); LOUIS-BAR SYNDROME; Cerebello-oculocutaneous telangiectasia; Immunodeficiency with ataxia telangiectasia; Ataxia-telangiectasia, complementation group D. Identifiers: Orphanet 100, MedGen C0004135, MONDO:0008840, OMIM 208900.

Submission:

Labcorp Genetics (formerly Invitae), Labcorp
Classification: Uncertain significance for Ataxia-telangiectasia syndrome. Last evaluated: 2022-09-30. Review status: criteria provided, single submitter. Criteria: Invitae Variant Classification Sherloc (09022015). Collection method: clinical testing. Allele origin: germline.
Comment: In summary, the available evidence is currently insufficient to determine the role of this variant in disease. Therefore, it has been classified as a Variant of Uncertain Significance. Algorithms developed to predict the effect of missense changes on protein structure and function are either unavailable or do not agree on the potential impact of this missense change (SIFT: "Deleterious"; PolyPhen-2: "Possibly Damaging"; Align-GVGD: "Class C0"). This variant has not been reported in the literature in individuals affected with ATM-related conditions. This variant is not present in population databases (gnomAD no frequency). This sequence change replaces valine, which is neutral and non-polar, with glycine, which is neutral and non-polar, at codon 1833 of the ATM protein (p.Val1833Gly).